The following is an entry in ClinVar:

NM_016239.4(MYO15A):c.902C>T (p.Pro301Leu)

Gene: MYO15A (myosin XVA; plus strand). Cytogenetic location: 17p11.2.
Variant type: single nucleotide variant.
Coding change: c.902C>T on transcript NM_016239.4 (MANE Select); coding-DNA position 902, C replaced by T.
Protein change: p.Pro301Leu; replaces proline 301 with leucine.
Molecular consequence: missense variant.
Genome position (GRCh38, 1-based): chr17:18,119,702, C>T. VCF-style: chr17-18119702-C-T. GRCh37 (hg19) VCF-style: chr17-18023016-C-T.
Other names: short protein forms P301L.
Identifiers: ClinVar variation 2416687 (VCV002416687.3), dbSNP rs780470680, ClinGen allele CA8422967.
Genomic context (GRCh38, chr17:18,119,702, plus strand): 5'-ACCCGCCCGAGGATCCCTACGACTACTACCACCCCGACTATTACGGTGGCCCCTTTGATC[C>T]GGGGTACACCTACGGCTACGGCTACGACGATTACGAACCCCCATATGCGCCCCCGTCGGG-3'
Protein context (NP_057323.3, residues 291-311): HPDYYGGPFD[Pro301Leu]GYTYGYGYDD

ClinVar aggregate classification (germline): Uncertain significance (1 of 4 stars; one submission).

Allele frequency attached by ClinVar (database versions not stated): gnomAD 0.00002; gnomAD exomes 0.00002; ExAC 0.00003; TOPMed 0.00005.
gnomAD v4.1: 31 of 1,610,536 alleles (0.0019%); highest among the groups gnomAD compares: African/African-American, 0.0067%; no homozygotes.

Submission:

Labcorp Genetics (formerly Invitae), Labcorp
Classification: Uncertain significance. Last evaluated: 2022-05-29. Review status: criteria provided, single submitter. Criteria: Invitae Variant Classification Sherloc (09022015). Collection method: clinical testing. Allele origin: germline.
Comment: This sequence change replaces proline, which is neutral and non-polar, with leucine, which is neutral and non-polar, at codon 301 of the MYO15A protein (p.Pro301Leu). This variant is present in population databases (rs780470680, gnomAD 0.008%). This variant has not been reported in the literature in individuals affected with MYO15A-related conditions. Advanced modeling of protein sequence and biophysical properties (such as structural, functional, and spatial information, amino acid conservation, physicochemical variation, residue mobility, and thermodynamic stability) performed at Invitae indicates that this missense variant is not expected to disrupt MYO15A protein function. In summary, the available evidence is currently insufficient to determine the role of this variant in disease. Therefore, it has been classified as a Variant of Uncertain Significance.